The following is an entry in ClinVar:

ClinVar aggregate classification (germline): Uncertain significance. Review status: criteria provided, multiple submitters, no conflicts (2 of 4 stars). 2 submissions from 2 submitters: Uncertain significance (2). Last evaluated 2023-02-24.

Conditions:
Fanconi anemia (FA). Also called: Fanconi's anemia. Identifiers: Orphanet 84, MedGen C0015625, MeSH D005199, MONDO:0019391.

Allele frequency attached by ClinVar (database versions not stated): gnomAD exomes below 0.00001; ExAC 0.00001; gnomAD 0.00001.
gnomAD v4.1: 2 of 1,613,802 alleles (0.00012%); highest among the groups gnomAD compares: Admixed American, 0.0033%; no homozygotes.

Submissions (2):

Labcorp Genetics (formerly Invitae), Labcorp
Classification: Uncertain significance for Fanconi anemia. Last evaluated: 2023-02-24. Review status: criteria provided, single submitter. Criteria: Invitae Variant Classification Sherloc (09022015). Collection method: clinical testing. Allele origin: germline.
Comment: This sequence change replaces proline, which is neutral and non-polar, with leucine, which is neutral and non-polar, at codon 925 of the FANCI protein (p.Pro925Leu). This variant is present in population databases (rs773438545, gnomAD 0.003%). This variant has not been reported in the literature in individuals affected with FANCI-related conditions. ClinVar contains an entry for this variant (Variation ID: 1692559). An algorithm developed to predict the effect of missense changes on protein structure and function (PolyPhen-2) suggests that this variant is likely to be tolerated. In summary, the available evidence is currently insufficient to determine the role of this variant in disease. Therefore, it has been classified as a Variant of Uncertain Significance.

Sema4
Classification: Uncertain significance for Fanconi anemia. Last evaluated: 2022-01-12. Review status: criteria provided, single submitter. Criteria: Sema4 Curation Guidelines. Collection method: curation. Allele origin: germline.
Comment: The FANCI c.2774C>T (p.P925L) variant has not been reported in the literature to our knowledge. It was observed in 1/251336 chromosomes across all populations in the large and broad cohorts of the Genome Aggregation Database (PMID: 32461654). The variant has not been reported in ClinVar. In silico tools suggest the impact of the variant on protein function is benign, though these predictions have not been confirmed by functional studies. The evidence is insufficient to meet ACMG/AMP criteria for classifying the variant as benign or pathogenic. Thus, the clinical significance of this variant is currently uncertain.

NM_001113378.2(FANCI):c.2774C>T (p.Pro925Leu)

Gene: FANCI (FA complementation group I; plus strand). Cytogenetic location: 15q26.1.
Variant type: single nucleotide variant.
Coding change: c.2774C>T on transcript NM_001113378.2 (MANE Select); coding-DNA position 2774, C replaced by T.
Protein change: p.Pro925Leu; replaces proline 925 with leucine.
Molecular consequence: missense variant.
Genome position (GRCh38, 1-based): chr15:89,299,937, C>T. VCF-style: chr15-89299937-C-T. GRCh37 (hg19) VCF-style: chr15-89843168-C-T.
Other names: c.2495C>T, p.Pro832Leu (NM_001376910.1); c.2774C>T, p.Pro925Leu (NM_001376911.1); c.2594C>T, p.Pro865Leu (NM_018193.3); short protein forms P832L, P865L, P925L.
Identifiers: ClinVar variation 1692559 (VCV001692559.6), dbSNP rs773438545, ClinGen allele CA7723453.